The following is an entry in ClinVar:

NM_020208.4(SLC6A20):c.*1192T>C

Gene: SLC6A20 (solute carrier family 6 member 20; minus strand). Cytogenetic location: 3p21.31.
Variant type: single nucleotide variant.
Coding change: c.*1192T>C on transcript NM_020208.4 (MANE Select); 1192 bases downstream of the stop codon, T replaced by C.
Molecular consequence: 3 prime UTR variant.
Genome position (GRCh38, 1-based): chr3:45,757,786, A>G on the plus strand (T>C on the coding strand, the complement: SLC6A20 is on the minus strand). VCF-style: chr3-45757786-A-G. GRCh37 (hg19) VCF-style: chr3-45799278-A-G.
Other names: c.*1192T>C (NM_022405.4).
Identifiers: ClinVar variation 345377 (VCV000345377.5), dbSNP rs116590098, ClinGen allele CA10616551.

ClinVar aggregate classification (germline): Benign (1 of 4 stars; one submission).

Conditions:
Hyperglycinuria. Also called: GLYCINURIA WITH OR WITHOUT OXALATE NEPHROLITHIASIS; GLYCINURIA WITH OR WITHOUT OXALATE UROLITHIASIS; IMINOGLYCINURIA TYPE II. Identifiers: MedGen C0543541, MONDO:0007677, OMIM 138500, HP:0003108.

Allele frequency attached by ClinVar (database versions not stated): gnomAD 0.01791 and 0.01927; 1000 Genomes Project 0.01877; 1000 Genomes Project 30x 0.01921; TOPMed 0.02119.

Submission:

Illumina Laboratory Services, Illumina
Classification: Benign for Hyperglycinuria. Last evaluated: 2018-01-13. Review status: criteria provided, single submitter. Criteria: ICSL Variant Classification Criteria 13 December 2019. Collection method: clinical testing. Allele origin: germline.
Comment: This variant was observed in the ICSL laboratory as part of a predisposition screen in an ostensibly healthy population. It had not been previously curated by ICSL or reported in the Human Gene Mutation Database (HGMD: prior to June 1st, 2018), and was therefore a candidate for classification through an automated scoring system. Utilizing variant allele frequency, disease prevalence and penetrance estimates, and inheritance mode, an automated score was calculated to assess if this variant is too frequent to cause the disease. Based on the score and internal cut-off values, a variant classified as benign is not then subjected to further curation. The score for this variant resulted in a classification of benign for this disease.